The following is an entry in ClinVar:

ClinVar aggregate classification (germline): Uncertain significance (1 of 4 stars; one submission).

Conditions:
Joubert syndrome 23 (JBTS23). Identifiers: Orphanet 475, MedGen C4084822, MONDO:0014664, OMIM 616490.
Short-rib thoracic dysplasia 14 with polydactyly (SRTD14). Identifiers: Orphanet 397715, MedGen C4225286, MONDO:0014688, OMIM 616546.

Allele frequency attached by ClinVar (database versions not stated): gnomAD 0.00001; gnomAD exomes 0.00001.
gnomAD v4.1: 3 of 1,604,206 alleles (0.00019%); highest among the groups gnomAD compares: Admixed American, 0.0017%; no homozygotes.

Submission:

Labcorp Genetics (formerly Invitae), Labcorp
Classification: Uncertain significance for Joubert syndrome 23; Short-rib thoracic dysplasia 14 with polydactyly. Last evaluated: 2024-11-05. Review status: criteria provided, single submitter. Criteria: Invitae Variant Classification Sherloc (09022015). Collection method: clinical testing. Allele origin: germline.
Comment: This sequence change replaces arginine, which is basic and polar, with tryptophan, which is neutral and slightly polar, at codon 1436 of the KIAA0586 protein (p.Arg1436Trp). The frequency data for this variant in the population databases is considered unreliable, as metrics indicate poor data quality at this position in the gnomAD database. This variant has not been reported in the literature in individuals affected with KIAA0586-related conditions. ClinVar contains an entry for this variant (Variation ID: 1382158). Invitae Evidence Modeling of protein sequence and biophysical properties (such as structural, functional, and spatial information, amino acid conservation, physicochemical variation, residue mobility, and thermodynamic stability) indicates that this missense variant is not expected to disrupt KIAA0586 protein function with a negative predictive value of 80%. In summary, the available evidence is currently insufficient to determine the role of this variant in disease. Therefore, it has been classified as a Variant of Uncertain Significance.

NM_001329943.3(KIAA0586):c.4147C>T (p.Arg1383Trp)

Gene: KIAA0586 (KIAA0586; plus strand). Cytogenetic location: 14q23.1.
Variant type: single nucleotide variant.
Coding change: c.4147C>T on transcript NM_001329943.3 (MANE Select); coding-DNA position 4147, C replaced by T.
Protein change: p.Arg1383Trp; replaces arginine 1383 with tryptophan.
Molecular consequence: missense variant.
Genome position (GRCh38, 1-based): chr14:58,498,939, C>T. VCF-style: chr14-58498939-C-T. GRCh37 (hg19) VCF-style: chr14-58965657-C-T.
Other names: c.4306C>T, p.Arg1436Trp (NM_001244189.2); c.4102C>T, p.Arg1368Trp (NM_001244190.2); c.3892C>T, p.Arg1298Trp (NM_001244191.2, NM_001329945.2, NM_001364700.1 and 1 more transcripts); c.4015C>T, p.Arg1339Trp (NM_001244192.2, NM_001329947.2); c.3727C>T, p.Arg1243Trp (NM_001244193.2); c.4147C>T, p.Arg1383Trp (NM_001329944.2, NM_001329946.2); c.3919C>T, p.Arg1307Trp (NM_014749.5); short protein forms R1243W, R1339W, R1383W, R1298W, R1368W, R1436W, R1307W.
Identifiers: ClinVar variation 1382158 (VCV001382158.6), dbSNP rs1015444951, ClinGen allele CA261654710.